The following is an entry in ClinVar:

ClinVar aggregate classification (germline): Uncertain significance (1 of 4 stars; one submission).

Conditions:
Charcot-Marie-Tooth disease axonal type 2C (HMSN2C). Also called: CHARCOT-MARIE-TOOTH DISEASE, AXONAL, AUTOSOMAL DOMINANT, TYPE 2C; Charcot-Marie-Tooth Neuropathy Type 2C; Charcot-Marie-Tooth Disease Type 2, TRPV4-Related (CMT2C). Identifiers: Orphanet 99937, MedGen C1853710, MONDO:0011633, OMIM 606071.

Allele frequency attached by ClinVar (database versions not stated): ESP Exome Variant Server 0.00008; gnomAD 0.00002; TOPMed 0.00002.
gnomAD v4.1: 8 of 1,613,328 alleles (0.0005%); highest among the groups gnomAD compares: African/African-American, 0.011%; no homozygotes.

Submission:

Labcorp Genetics (formerly Invitae), Labcorp
Classification: Uncertain significance for Charcot-Marie-Tooth disease axonal type 2C. Last evaluated: 2022-06-14. Review status: criteria provided, single submitter. Criteria: Invitae Variant Classification Sherloc (09022015). Collection method: clinical testing. Allele origin: germline.
Comment: This sequence change replaces leucine, which is neutral and non-polar, with methionine, which is neutral and non-polar, at codon 832 of the TRPV4 protein (p.Leu832Met). This variant is present in population databases (rs377399452, gnomAD 0.007%). This variant has not been reported in the literature in individuals affected with TRPV4-related conditions. Advanced modeling of protein sequence and biophysical properties (such as structural, functional, and spatial information, amino acid conservation, physicochemical variation, residue mobility, and thermodynamic stability) performed at Invitae indicates that this missense variant is not expected to disrupt TRPV4 protein function. In summary, the available evidence is currently insufficient to determine the role of this variant in disease. Therefore, it has been classified as a Variant of Uncertain Significance.

NM_021625.5(TRPV4):c.2494C>A (p.Leu832Met)

Gene: TRPV4 (transient receptor potential cation channel subfamily V member 4; minus strand). Cytogenetic location: 12q24.11.
Variant type: single nucleotide variant.
Coding change: c.2494C>A on transcript NM_021625.5 (MANE Select); coding-DNA position 2494, C replaced by A.
Protein change: p.Leu832Met; replaces leucine 832 with methionine.
Molecular consequence: missense variant.
Genome position (GRCh38, 1-based): chr12:109,783,743, G>T on the plus strand (C>A on the coding strand, the complement: TRPV4 is on the minus strand). VCF-style: chr12-109783743-G-T. GRCh37 (hg19) VCF-style: chr12-110221548-G-T.
Other names: c.2173C>A, p.Leu725Met (NM_001177433.2); c.2314C>A, p.Leu772Met (NM_147204.3); c.2353C>A, p.Leu785Met (NM_001177428.2); c.2392C>A, p.Leu798Met (NM_001177431.2); short protein forms L772M, L725M, L798M, L785M, L832M.
Identifiers: ClinVar variation 2040696 (VCV002040696.3), dbSNP rs377399452, ClinGen allele CA243494151.
Genomic context (GRCh38, chr12:109,783,743, plus strand): 5'-GGGGGTTCCCCATGCTGTCCAGAGGCACCACCACCTCGTCCGGGTTCGAGTTCTTGTTCA[G>T]TTCCACCACGCGGGGTACCACCGAGGACCAGCGATCTGCACCGAGAGCACATCAGAGGGA-3'
Protein context (NP_067638.3, residues 822-842): WSSVVPRVVE[Leu832Met]NKNSNPDEVV